The following is an entry in ClinVar:

ClinVar aggregate classification (germline): Uncertain significance (1 of 4 stars; one submission).

gnomAD v4.1: 2 of 1,514,418 alleles (0.00013%); no homozygotes.

Submission:

Labcorp Genetics (formerly Invitae), Labcorp
Classification: Uncertain significance. Last evaluated: 2022-05-04. Review status: criteria provided, single submitter. Criteria: Invitae Variant Classification Sherloc (09022015). Collection method: clinical testing. Allele origin: germline.
Comment: This sequence change replaces proline, which is neutral and non-polar, with serine, which is neutral and polar, at codon 605 of the COL18A1 protein (p.Pro605Ser). This variant is not present in population databases (gnomAD no frequency). This variant has not been reported in the literature in individuals affected with COL18A1-related conditions. Experimental studies and prediction algorithms are not available or were not evaluated, and the functional significance of this variant is currently unknown. In summary, the available evidence is currently insufficient to determine the role of this variant in disease. Therefore, it has been classified as a Variant of Uncertain Significance.

NM_001379500.1(COL18A1):c.1813C>T (p.Pro605Ser)

Gene: COL18A1 (collagen type XVIII alpha 1 chain; plus strand). Cytogenetic location: 21q22.3.
Variant type: single nucleotide variant.
Coding change: c.1813C>T on transcript NM_001379500.1 (MANE Select); coding-DNA position 1813, C replaced by T.
Protein change: p.Pro605Ser; replaces proline 605 with serine.
Molecular consequence: missense variant.
Genome position (GRCh38, 1-based): chr21:45,486,972, C>T. VCF-style: chr21-45486972-C-T. GRCh37 (hg19) VCF-style: chr21-46906886-C-T.
Other names: c.2353C>T, p.Pro785Ser (NM_030582.4); c.3058C>T, p.Pro1020Ser (NM_130444.3); short protein forms P1020S, P785S, P605S.
Identifiers: ClinVar variation 1968110 (VCV001968110.2), dbSNP rs2517658673, ClinGen allele CA410496358.